The following is an entry in ClinVar:

ClinVar aggregate classification (germline): Uncertain significance (1 of 4 stars; one submission).

Submission:

GeneDx
Classification: Uncertain significance. Last evaluated: 2022-06-23. Review status: criteria provided, single submitter. Criteria: GeneDx Variant Classification Process June 2021. Collection method: clinical testing. Allele origin: germline. Affected: yes.
Comment: Not observed at significant frequency in large population cohorts (gnomAD); In silico analysis supports that this missense variant does not alter protein structure/function; Has not been previously published as pathogenic or benign to our knowledge

NM_006734.4(HIVEP2):c.6317C>T (p.Ser2106Leu)

Gene: HIVEP2 (HIVEP zinc finger 2; minus strand). Cytogenetic location: 6q24.2.
Variant type: single nucleotide variant.
Coding change: c.6317C>T on transcript NM_006734.4 (MANE Select); coding-DNA position 6317, C replaced by T.
Protein change: p.Ser2106Leu; replaces serine 2106 with leucine.
Molecular consequence: missense variant.
Genome position (GRCh38, 1-based): chr6:142,759,971, G>A on the plus strand (C>T on the coding strand, the complement: HIVEP2 is on the minus strand). VCF-style: chr6-142759971-G-A. GRCh37 (hg19) VCF-style: chr6-143081108-G-A.
Other names: short protein forms S2106L.
Identifiers: ClinVar variation 1806661 (VCV001806661.1), dbSNP rs2482767449, ClinGen allele CA365887000.